The following is an entry in ClinVar:

NM_000186.4(CFH):c.3234G>T (p.Arg1078Ser)

Gene: CFH (complement factor H; plus strand). Cytogenetic location: 1q31.3.
Variant type: single nucleotide variant.
Coding change: c.3234G>T on transcript NM_000186.4 (MANE Select); coding-DNA position 3234, G replaced by T.
Protein change: p.Arg1078Ser; replaces arginine 1078 with serine.
Molecular consequence: missense variant.
Genome position (GRCh38, 1-based): chr1:196,743,552, G>T. VCF-style: chr1-196743552-G-T. GRCh37 (hg19) VCF-style: chr1-196712682-G-T.
Other names: p.Arg1078Ser; short protein forms R1078S.
Identifiers: ClinVar variation 16561 (VCV000016561.9), dbSNP rs121913062, ClinGen allele CA126670.

ClinVar aggregate classification (germline): Uncertain significance. Review status: criteria provided, multiple submitters, no conflicts (2 of 4 stars). 6 submissions from 6 submitters: Uncertain significance (4). 2 of the submissions do not count toward it. Last evaluated 2025-11-19.

Conditions:
Atypical hemolytic-uremic syndrome. Identifiers: Orphanet 2134, MedGen C2931788, MONDO:0016244.
Age related macular degeneration 4. Identifiers: MedGen C1853147, MONDO:0012540, OMIM 610698.
Basal laminar drusen. Also called: DRUSEN OF BRUCH MEMBRANE; DRUSEN, CUTICULAR; DRUSEN, EARLY ADULT-ONSET, GROUPED. Identifiers: Orphanet 75376, MedGen C0730295, MONDO:0007472, OMIM 126700.
Hemolytic uremic syndrome, atypical, susceptibility to, 1. Also called: AHUS, SUSCEPTIBILITY TO, 1. Identifiers: Orphanet 2134, Orphanet 90038, MedGen C2749604, MONDO:0009335, OMIM 235400. Disease mechanism: Other.
Factor H deficiency (CFHD). Also called: CFH DEFICIENCY; COMPLEMENT FACTOR H DEFICIENCY. Identifiers: Orphanet 200421, MedGen C0398777, MONDO:0012350, OMIM 609814.

Allele frequency attached by ClinVar (database versions not stated): gnomAD 0.00004; TOPMed 0.00004; ExAC 0.00006; gnomAD exomes 0.00007.
gnomAD v4.1: 106 of 1,613,938 alleles (0.0066%); highest among the groups gnomAD compares: Non-Finnish European, 0.0084%; no homozygotes.

Submissions (6):

Women's Health and Genetics/Laboratory Corporation of America, LabCorp
Classification: Uncertain significance. Last evaluated: 2025-11-19. Review status: criteria provided, single submitter. Criteria: LabCorp Variant Classification Summary - May 2015. Collection method: clinical testing. Allele origin: germline.
Comment: Variant summary: CFH c.3234G>T (p.Arg1078Ser) results in a non-conservative amino acid change in the encoded protein sequence. Algorithms developed to predict the effect of missense changes on protein structure and function are either unavailable or do not agree on the potential impact of this missense change. The variant allele was found at a frequency of 6.8e-05 in 251440 control chromosomes (gnomAD). This frequency is not significantly higher than estimated for disease-causing variants in CFH, allowing no conclusion about variant significance. c.3234G>T has been observed in individuals affected with CFH-Related Disorders (e.g., Boon_2008, Geerlings_2017, Vaught_2018, de Breuk_2021). These reports do not provide unequivocal conclusions about association of the variant with CFH-Related Disorders. At least one publication reports experimental evidence evaluating an impact on protein function. These results showed no damaging effect of this variant (Merinero_2021). The following publications have been ascertained in the context of this evaluation (PMID: 18252232, 29888403, 36246952, 29563339, 34189567). ClinVar contains an entry for this variant (Variation ID: 16561). Based on the evidence outlined above, the variant was classified as uncertain significance.

Genomenon, Inc
Classification: Uncertain significance for Atypical hemolytic-uremic syndrome; Age related macular degeneration 4; Basal laminar drusen. Last evaluated: 2025-10-02. Review status: criteria provided, single submitter. Criteria: Genomenon Sequence Variant Interpretation Standards - Updated. Collection method: curation. Allele origin: germline. Affected: yes.
Comment: CFH p.Arg1078Ser (c.3234G>T) is a missense variant that changes the amino acid at residue 1078 from Arginine to Serine. This variant has been observed in at least one proband affected with a CFH-related disorder (PMID:36246952;29888403;29563339;18252232). The variant was found to segregate with disease in at least one affected family (PMID:36246952;18252232). Functional studies have been reported (PMID:34189567). It is absent or not present at a significant frequency in gnomAD. In conclusion, we classify CFH p.Arg1078Ser (c.3234G>T) as a variant of uncertain significance.

Mayo Clinic Laboratories, Mayo Clinic
Classification: Uncertain significance. Last evaluated: 2025-05-28. Review status: criteria provided, single submitter. Criteria: ACMG Guidelines, 2015. Collection method: clinical testing. Allele origin: germline. Observed: 6 variant alleles.

Fulgent Genetics
Classification: Uncertain significance for Basal laminar drusen; Hemolytic uremic syndrome, atypical, susceptibility to, 1; Factor H deficiency; Age related macular degeneration 4. Last evaluated: 2024-06-05. Review status: criteria provided, single submitter. Criteria: ACMG Guidelines, 2015. Collection method: clinical testing. Allele origin: germline.

OMIM
Classification: Pathogenic for BASAL LAMINAR DRUSEN. Last evaluated: 2008-02-01. Review status: no assertion criteria provided. Collection method: literature only. Allele origin: germline. Not counted in ClinVar's aggregate classification.

Clinical Genetics DNA and cytogenetics Diagnostics Lab, Erasmus MC, Erasmus Medical Center
Classification: Uncertain significance. Review status: no assertion criteria provided. Collection method: clinical testing. Allele origin: germline. Affected: yes. Study: VKGL Data-share Consensus. Not counted in ClinVar's aggregate classification.

Literature cited by the submitters: PubMed 18252232 (cited by 4 submitters); PubMed 34189567 (cited by Women's Health and Genetics/Laboratory Corporation of America, LabCorp and Genomenon, Inc); PubMed 29563339 (cited by Women's Health and Genetics/Laboratory Corporation of America, LabCorp and Genomenon, Inc); PubMed 29888403 (cited by 3 submitters); PubMed 36246952 (cited by Women's Health and Genetics/Laboratory Corporation of America, LabCorp and Genomenon, Inc); PubMed 29500241 (cited by Mayo Clinic Laboratories, Mayo Clinic).